The following is an entry in ClinVar:

ClinVar aggregate classification (germline): Uncertain significance (1 of 4 stars; one submission).

gnomAD v4.1: 16 of 1,613,844 alleles (0.00099%); highest among the groups gnomAD compares: Non-Finnish European, 0.0014%; no homozygotes.

Submission:

GeneDx
Classification: Uncertain significance. Last evaluated: 2025-06-24. Review status: criteria provided, single submitter. Criteria: GeneDx Variant Classification Process June 2021. Collection method: clinical testing. Allele origin: germline. Affected: yes.
Comment: Not observed at significant frequency in large population cohorts (gnomAD); In silico analysis supports that this missense variant has a deleterious effect on protein structure/function; Has not been previously published as pathogenic or benign to our knowledge

NM_033305.3(VPS13A):c.1724A>C (p.Asp575Ala)

Gene: VPS13A (vacuolar protein sorting 13 homolog A; plus strand). Cytogenetic location: 9q21.2.
Variant type: single nucleotide variant.
Coding change: c.1724A>C on transcript NM_033305.3 (MANE Select); coding-DNA position 1724, A replaced by C.
Protein change: p.Asp575Ala; replaces aspartic acid 575 with alanine.
Molecular consequence: missense variant.
Genome position (GRCh38, 1-based): chr9:77,238,130, A>C. VCF-style: chr9-77238130-A-C. GRCh37 (hg19) VCF-style: chr9-79853046-A-C.
Other names: c.1724A>C, p.Asp575Ala (NM_001018037.2, NM_001018038.3, NM_015186.4); short protein forms D575A.
Identifiers: ClinVar variation 4540312 (VCV004540312.1).